The following is an entry in ClinVar:

ClinVar aggregate classification (germline): Conflicting classifications of pathogenicity. Review status: criteria provided, conflicting classifications (1 of 4 stars). 5 submissions from 5 submitters: Uncertain significance (4); Likely benign (1). Last evaluated 2025-08-09.

Conditions:
Inborn genetic diseases. Identifiers: MedGen C0950123, MeSH D030342.
Epidermolysis bullosa simplex 5B, with muscular dystrophy (EBS5B). Also called: EPIDERMOLYSIS BULLOSA SIMPLEX AND LIMB-GIRDLE MUSCULAR DYSTROPHY; Epidermolysis bullosa simplex with muscular dystrophy. Identifiers: Orphanet 257, MedGen C2931072, MONDO:0009181, OMIM 226670.
Epidermolysis bullosa simplex, Ogna type (EBS5A). Also called: Pidermolysis bullosa simplex 5A, Ogna type; EPIDERMOLYSIS BULLOSA SIMPLEX 5A, OGNA TYPE. Identifiers: Orphanet 79401, MedGen C0432317, MONDO:0007555, OMIM 131950.
Autosomal recessive limb-girdle muscular dystrophy type 2Q (LGMDR17). Also called: MUSCULAR DYSTROPHY, LIMB-GIRDLE, AUTOSOMAL RECESSIVE 17. Identifiers: Orphanet 254361, MedGen C3150989, MONDO:0013390, OMIM 613723.
Epidermolysis bullosa simplex 5C, with pyloric atresia (EBS5C). Also called: Epidermolysis bullosa simplex with pyloric atresia; PLEC1-Related Epidermolysis Bullosa with Pyloric Atresia; PLEC-Related Epidermolysis Bullosa with Pyloric Atresia. Identifiers: Orphanet 158684, MedGen C2677349, MONDO:0012807, OMIM 612138.
Epidermolysis bullosa simplex with nail dystrophy (EBS5D). Identifiers: MedGen C4225309, MONDO:0014661, OMIM 616487.

Allele frequency attached by ClinVar (database versions not stated): TOPMed 0.00011; gnomAD exomes 0.00013 and 0.00014; gnomAD 0.00015 and 0.00016; ExAC 0.00018; ESP Exome Variant Server 0.00025.
gnomAD v4.1: 219 of 1,608,748 alleles (0.014%); highest among the groups gnomAD compares: Non-Finnish European, 0.017%; no homozygotes.

Submissions (5):

Mayo Clinic Laboratories, Mayo Clinic
Classification: Uncertain significance. Last evaluated: 2025-08-09. Review status: criteria provided, single submitter. Criteria: ACMG Guidelines, 2015. Collection method: clinical testing. Allele origin: germline. Observed: 3 variant alleles.
Comment: BP4

Labcorp Genetics (formerly Invitae), Labcorp
Classification: Uncertain significance for Autosomal recessive limb-girdle muscular dystrophy type 2Q; Epidermolysis bullosa simplex, Ogna type; Epidermolysis bullosa simplex with nail dystrophy; Epidermolysis bullosa simplex 5C, with pyloric atresia; Epidermolysis bullosa simplex 5B, with muscular dystrophy. Last evaluated: 2025-06-12. Review status: criteria provided, single submitter. Criteria: Invitae Variant Classification Sherloc (09022015). Collection method: clinical testing. Allele origin: germline.
Comment: This sequence change replaces arginine, which is basic and polar, with histidine, which is basic and polar, at codon 3021 of the PLEC protein (p.Arg3021His). This variant is present in population databases (rs200970115, gnomAD 0.02%). This variant has not been reported in the literature in individuals affected with PLEC-related conditions. ClinVar contains an entry for this variant (Variation ID: 497045). Invitae Evidence Modeling of protein sequence and biophysical properties (such as structural, functional, and spatial information, amino acid conservation, physicochemical variation, residue mobility, and thermodynamic stability) indicates that this missense variant is not expected to disrupt PLEC protein function with a negative predictive value of 80%. In summary, the available evidence is currently insufficient to determine the role of this variant in disease. Therefore, it has been classified as a Variant of Uncertain Significance.

Revvity Omics, Revvity
Classification: Uncertain significance. Last evaluated: 2025-03-19. Review status: criteria provided, single submitter. Criteria: ACMG Guidelines, 2015. Collection method: clinical testing. Allele origin: germline.

Ambry Genetics
Classification: Likely benign for Inborn genetic diseases. Last evaluated: 2024-07-26. Review status: criteria provided, single submitter. Criteria: Ambry Variant Classification Scheme 2023. Collection method: clinical testing. Allele origin: germline.

Eurofins Ntd Llc (ga)
Classification: Uncertain significance. Last evaluated: 2018-01-12. Review status: criteria provided, single submitter. Criteria: EGL Classification Definitions 2015. Collection method: clinical testing. Allele origin: germline. Observed: 6 variant alleles, 6 heterozygotes.

NM_201384.3(PLEC):c.8981G>A (p.Arg2994His)

Gene: PLEC (plectin; minus strand). Cytogenetic location: 8q24.3.
Variant type: single nucleotide variant.
Coding change: c.8981G>A on transcript NM_201384.3 (MANE Select); coding-DNA position 8981, G replaced by A.
Protein change: p.Arg2994His; replaces arginine 2994 with histidine.
Molecular consequence: missense variant.
Genome position (GRCh38, 1-based): chr8:143,920,840, C>T on the plus strand (G>A on the coding strand, the complement: PLEC is on the minus strand). VCF-style: chr8-143920840-C-T. GRCh37 (hg19) VCF-style: chr8-144995008-C-T.
Other names: p.Arg3021His; c.9062G>A, p.Arg3021His (NM_000445.5); c.8939G>A, p.Arg2980His (NM_201378.4); c.8915G>A, p.Arg2972His (NM_201379.3); c.9392G>A, p.Arg3131His (NM_201380.4); c.8885G>A, p.Arg2962His (NM_201381.3); c.8981G>A, p.Arg2994His (NM_201382.4); c.8993G>A, p.Arg2998His (NM_201383.3); and 1 more; short protein forms R2962H, R2972H, R2980H, R2994H, R2998H, R3021H, R3131H.
Identifiers: ClinVar variation 497045 (VCV000497045.18), dbSNP rs200970115, ClinGen allele CA4925119.